The following is an entry in ClinVar:

ClinVar aggregate classification (germline): Pathogenic (1 of 4 stars; one submission).

Conditions:
Dextro-looped transposition of the great arteries. Also called: Dextrotransposition of the great arteries. Identifiers: Orphanet 860, MedGen C3531771, MONDO:0019443, OMIM 608808, HP:0031348.

Submission:

Labcorp Genetics (formerly Invitae), Labcorp
Classification: Pathogenic for Dextro-looped transposition of the great arteries. Last evaluated: 2017-09-05. Review status: criteria provided, single submitter. Criteria: Invitae Variant Classification Sherloc (09022015). Collection method: clinical testing. Allele origin: germline.
Comment: This sequence change creates a premature translational stop signal (p.Met772Ilefs*8) in the MED13L gene. It is expected to result in an absent or disrupted protein product. This variant is not present in population databases (ExAC no frequency). This variant has not been reported in the literature in individuals with MED13L-related disease. Loss-of-function variants in MED13L are known to be pathogenic (PMID: 23403903). For these reasons, this variant has been classified as Pathogenic.

Literature cited by the submitters: PubMed 23403903.

NM_015335.5(MED13L):c.2316_2317del (p.Met772fs)

Gene: MED13L (mediator complex subunit 13L; minus strand). Cytogenetic location: 12q24.21.
Variant type: Deletion.
Coding change: c.2316_2317del on transcript NM_015335.5 (MANE Select); coding-DNA positions 2316 to 2317, 2 bases deleted (GT; older notation c.2316_2317delGT).
Protein change: p.Met772fs; shifts the reading frame from methionine 772.
Molecular consequence: frameshift variant.
Genome position (GRCh38, 1-based): chr12:116,006,333-116,006,334, AC deleted on the plus strand (GT on the coding strand, the reverse complement: MED13L is on the minus strand); deleting any 2 consecutive bases within chr12:116,006,333-116,006,335 gives the same sequence; the c. name uses the placement nearest the transcript's 3' end. VCF-style (leftmost placement, unchanged base first): chr12-116006332-GAC-G. GRCh37 (hg19) VCF-style: chr12-116444137-GAC-G.
Other names: c.2316_2317delGT (NM_015335.4); short protein forms M772fs.
Identifiers: ClinVar variation 567731 (VCV000567731.7), dbSNP rs1566005476, ClinGen allele CA891843993.